The following is an entry in ClinVar:

ClinVar aggregate classification (germline): Pathogenic. Review status: reviewed by expert panel (3 of 4 stars). 9 submissions from 9 submitters: Pathogenic (1). 8 of the submissions do not count toward it. Last evaluated 2026-05-01.

Conditions:
SGCA-related disorder. Also called: SGCA-related condition.
Autosomal recessive limb-girdle muscular dystrophy. Identifiers: Orphanet 102015, MedGen C2931907, MONDO:0015152.
Autosomal recessive limb-girdle muscular dystrophy type 2D (LGMDR3). Also called: MUSCULAR DYSTROPHY, LIMB-GIRDLE, AUTOSOMAL RECESSIVE 3; DUCHENNE-LIKE AUTOSOMAL RECESSIVE MUSCULAR DYSTROPHY, TYPE 2; ADHALINOPATHY, PRIMARY. Identifiers: Orphanet 62, MedGen C2936332, MONDO:0011968, OMIM 608099. Disease mechanism: Affects gamma-sarcoglycan and also disrupts the integrity of the entire sarcoglycan complex..

Submissions (9):

ClinGen Limb Girdle Muscular Dystrophy Variant Curation Expert Panel, ClinGen
Classification: Pathogenic for Autosomal recessive limb-girdle muscular dystrophy. Last evaluated: 2026-05-01. Review status: reviewed by expert panel. Criteria: ClinGen LGMD VCEP ACMG Specifications SGCA V2.0.0. Collection method: curation. Allele origin: germline. Inheritance: Autosomal recessive inheritance.
Comment: The NM_000023.4: c.724G>T variant in SGCA is a missense variant predicted to cause substitution of valine by phenylalanine at amino acid 242, p.(Val242Phe). In seven patients, it was reported in unconfirmed phase with a pathogenic variant (c.229C>T p.(Arg77Cys), c.739G>A p.(Val247Met), c.850C>T p.(Arg284Cys); 3.5 pts; PMID: 10842281, 12566530, 32875335, 31268554; LOVD: #00133494) (PM3_Very Strong). It has been reported to segregate with autosomal recessive LGMD in two affected family members from one family (PP1_Moderate; PMID: 10842281,12566530). At least one patient homozygous for this variant displayed progressive limb girdle muscle weakness and absent alpha-sarcoglycan protein expression, which is highly specific for SGCA-related LGMD (PP4_Moderate, capped with PP1_Moderate; PMID: 12566530). The highest variant allele frequency in gnomAD v4.1.1 is 0.000079054 (1/60006 Admixed American alleles), which is lower than the LGMD VCEP threshold (<0.00009) for PM2_Supporting, and therefore meets this criterion. An in vitro assay in a heterologous cell system has demonstrated that this variant disrupts membrane localization of the sarcoglycan complex, indicating disruption of protein function (PS3_Moderate, Washington University internal data). The computational predictor REVEL also gives a score of 0.729, which is above the threshold of 0.7, evidence that correlates with impact to SGCA function (PP3). In summary, this variant meets the criteria to be classified as Pathogenic for autosomal recessive limb girdle muscular dystrophy based on the ACMG/AMP criteria applied, as specified by the ClinGen LGMD VCEP (LGMD VCEP specifications version 2.0.0; 05/01/2026): PM3_Very Strong, PP1_Moderate, PP4_Moderate, PM2_Supporting, PS3_Moderate, PP3.

Labcorp Genetics (formerly Invitae), Labcorp
Classification: Pathogenic for Autosomal recessive limb-girdle muscular dystrophy type 2D. Last evaluated: 2026-01-31. Review status: criteria provided, single submitter. Criteria: Invitae Variant Classification Sherloc (09022015). Collection method: clinical testing. Allele origin: germline. Not counted in ClinVar's aggregate classification.
Comment: This sequence change replaces valine, which is neutral and non-polar, with phenylalanine, which is neutral and non-polar, at codon 242 of the SGCA protein (p.Val242Phe). The frequency data for this variant in the population databases is considered unreliable, as metrics indicate poor data quality at this position in the gnomAD database. This missense change has been observed in individuals with autosomal recessive limb-girdle muscular dystrophy, type 2D and autosomal recessive limb-girdle muscular dystrophy, type 2C (PMID: 10842281, 12566530). It has also been observed to segregate with disease in related individuals. ClinVar contains an entry for this variant (Variation ID: 471337). Invitae Evidence Modeling of protein sequence and biophysical properties (such as structural, functional, and spatial information, amino acid conservation, physicochemical variation, residue mobility, and thermodynamic stability) indicates that this missense variant is expected to disrupt SGCA protein function with a positive predictive value of 95%. This variant disrupts the p.Val242 amino acid residue in SGCA. Other variant(s) that disrupt this residue have been observed in individuals with SGCA-related conditions (PMID: 7663524), which suggests that this may be a clinically significant amino acid residue. For these reasons, this variant has been classified as Pathogenic.

Revvity Omics, Revvity
Classification: Pathogenic for Autosomal recessive limb-girdle muscular dystrophy type 2D. Last evaluated: 2025-03-03. Review status: criteria provided, single submitter. Criteria: ACMG Guidelines, 2015. Collection method: clinical testing. Allele origin: germline. Not counted in ClinVar's aggregate classification.

Baylor Genetics
Classification: Pathogenic for Autosomal recessive limb-girdle muscular dystrophy type 2D. Last evaluated: 2024-01-18. Review status: criteria provided, single submitter. Criteria: ACMG Guidelines, 2015. Collection method: clinical testing. Allele origin: unknown. Not counted in ClinVar's aggregate classification.

Blueprint Genetics
Classification: Pathogenic for SGCA-related disorders. Last evaluated: 2023-08-01. Review status: criteria provided, single submitter. Criteria: ACMG Guidelines, 2015. Collection method: clinical testing. Allele origin: germline. Affected: yes. Observed: 1 variant allele. Not counted in ClinVar's aggregate classification.

Genome-Nilou Lab
Classification: Likely pathogenic for Autosomal recessive limb-girdle muscular dystrophy type 2D. Last evaluated: 2023-02-08. Review status: criteria provided, single submitter. Criteria: ACMG Guidelines, 2015. Collection method: clinical testing. Allele origin: germline. Not counted in ClinVar's aggregate classification.

Fulgent Genetics
Classification: Likely pathogenic for Autosomal recessive limb-girdle muscular dystrophy type 2D. Last evaluated: 2021-07-01. Review status: criteria provided, single submitter. Criteria: ACMG Guidelines, 2015. Collection method: clinical testing. Allele origin: unknown. Not counted in ClinVar's aggregate classification.

Mendelics
Classification: Pathogenic for Autosomal recessive limb-girdle muscular dystrophy type 2D. Last evaluated: 2019-05-28. Review status: criteria provided, single submitter. Criteria: Mendelics Assertion Criteria 2017. Collection method: clinical testing. Allele origin: unknown. Not counted in ClinVar's aggregate classification.

Natera, Inc.
Classification: Pathogenic for Limb-girdle muscular dystrophy type 2D. Last evaluated: 2020-12-22. Review status: no assertion criteria provided. Collection method: clinical testing. Allele origin: germline. Not counted in ClinVar's aggregate classification.

Literature cited by the submitters: PubMed 10842281 (cited by Labcorp Genetics (formerly Invitae), Labcorp); PubMed 12566530 (cited by Labcorp Genetics (formerly Invitae), Labcorp); PubMed 7663524 (cited by Labcorp Genetics (formerly Invitae), Labcorp).

NM_000023.4(SGCA):c.724G>T (p.Val242Phe)

Gene: SGCA (sarcoglycan alpha; plus strand). Cytogenetic location: 17q21.33.
Variant type: single nucleotide variant.
Coding change: c.724G>T on transcript NM_000023.4 (MANE Select); coding-DNA position 724, G replaced by T.
Protein change: p.Val242Phe; replaces valine 242 with phenylalanine.
Molecular consequence: missense variant. On other transcripts: non-coding transcript variant (1), intron variant (1).
Genome position (GRCh38, 1-based): chr17:50,169,231, G>T. VCF-style: chr17-50169231-G-T. GRCh37 (hg19) VCF-style: chr17-48246592-G-T.
Other names: NM_000023.4(SGCA):c.724G>T; p.Val242Phe; c.724G>T (NM_000023.3); c.584+659G>T (NM_001135697.3); short protein forms V242F.
Identifiers: ClinVar variation 471337 (VCV000471337.22), dbSNP rs200166783, ClinGen allele CA400181014.